The following is an entry in ClinVar:

NM_006767.4(LZTR1):c.2415G>T (p.Lys805Asn)

Gene: LZTR1 (leucine zipper like post translational regulator 1; plus strand). Cytogenetic location: 22q11.21.
Variant type: single nucleotide variant.
Coding change: c.2415G>T on transcript NM_006767.4 (MANE Select); coding-DNA position 2415, G replaced by T.
Protein change: p.Lys805Asn; replaces lysine 805 with asparagine.
Molecular consequence: missense variant.
Genome position (GRCh38, 1-based): chr22:20,997,240, G>T. VCF-style: chr22-20997240-G-T. GRCh37 (hg19) VCF-style: chr22-21351529-G-T.
Other names: short protein forms K805N.
Identifiers: ClinVar variation 1790932 (VCV001790932.2), dbSNP rs2518626619, ClinGen allele CA410781494.

ClinVar aggregate classification (germline): Uncertain significance (1 of 4 stars; one submission).

Conditions:
Hereditary cancer-predisposing syndrome. Also called: Hereditary Cancer Syndrome; Hereditary neoplastic syndrome; Tumor predisposition; Neoplastic Syndromes, Hereditary. Identifiers: Orphanet 140162, MedGen C0027672, MeSH D009386, MONDO:0015356.
Cardiovascular phenotype. Identifiers: MedGen CN230736.

Submission:

Ambry Genetics
Classification: Uncertain significance for Cardiovascular phenotype; Hereditary cancer-predisposing syndrome. Last evaluated: 2022-01-31. Review status: criteria provided, single submitter. Criteria: Ambry Variant Classification Scheme 2023. Collection method: clinical testing. Allele origin: germline.
Comment: The p.K805N variant (also known as c.2415G>T), located in coding exon 21 of the LZTR1 gene, results from a G to T substitution at nucleotide position 2415. The lysine at codon 805 is replaced by asparagine, an amino acid with similar properties. This amino acid position is conserved. In addition, this alteration is predicted to be tolerated by in silico analysis. Since supporting evidence is limited at this time, the clinical significance of this alteration remains unclear.